The following is an entry in ClinVar:

ClinVar aggregate classification (germline): Uncertain significance (1 of 4 stars; one submission).

Conditions:
Cardiovascular phenotype. Identifiers: MedGen CN230736.

Allele frequency attached by ClinVar (database versions not stated): gnomAD exomes below 0.00001.
gnomAD v4.1: 1 of 1,613,376 alleles (0.000062%); highest among the groups gnomAD compares: African/African-American, 0.0013%; no homozygotes.

Submission:

Ambry Genetics
Classification: Uncertain significance for Cardiovascular phenotype. Last evaluated: 2019-05-24. Review status: criteria provided, single submitter. Criteria: Ambry Variant Classification Scheme 2023. Collection method: clinical testing. Allele origin: germline.
Comment: The p.I1241M variant (also known as c.3723C>G), located in coding exon 24 of the MYH6 gene, results from a C to G substitution at nucleotide position 3723. The isoleucine at codon 1241 is replaced by methionine, an amino acid with highly similar properties. This amino acid position is not well conserved in available vertebrate species. In addition, this alteration is predicted to be tolerated by in silico analysis. Since supporting evidence is limited at this time, the clinical significance of this alteration remains unclear.

NM_002471.4(MYH6):c.3723C>G (p.Ile1241Met)

Gene: MYH6 (myosin heavy chain 6; minus strand). Cytogenetic location: 14q11.2.
Variant type: single nucleotide variant.
Coding change: c.3723C>G on transcript NM_002471.4 (MANE Select); coding-DNA position 3723, C replaced by G.
Protein change: p.Ile1241Met; replaces isoleucine 1241 with methionine.
Molecular consequence: missense variant.
Genome position (GRCh38, 1-based): chr14:23,390,066, G>C on the plus strand (C>G on the coding strand, the complement: MYH6 is on the minus strand). VCF-style: chr14-23390066-G-C. GRCh37 (hg19) VCF-style: chr14-23859275-G-C.
Other names: short protein forms I1241M.
Identifiers: ClinVar variation 1734309 (VCV001734309.2), dbSNP rs2502159017, ClinGen allele CA389005052.